The following is an entry in ClinVar:

ClinVar aggregate classification (germline): Pathogenic (1 of 4 stars; one submission).

Conditions:
Familial infantile myasthenia (CMS6). Also called: MYASTHENIC SYNDROME, PRESYNAPTIC, CONGENITAL, ASSOCIATED WITH EPISODIC APNEA; MYASTHENIC SYNDROME, CONGENITAL, 6, PRESYNAPTIC; Congenital myasthenic syndrome type 6. Identifiers: Orphanet 590, MedGen C0393929, MONDO:0009689, OMIM 254210.

Submission:

Labcorp Genetics (formerly Invitae), Labcorp
Classification: Pathogenic for Familial infantile myasthenia. Last evaluated: 2022-08-05. Review status: criteria provided, single submitter. Criteria: Invitae Variant Classification Sherloc (09022015). Collection method: clinical testing. Allele origin: germline.
Comment: For these reasons, this variant has been classified as Pathogenic. Experimental studies have shown that this missense change affects CHAT function (PMID: 21786365). Advanced modeling of protein sequence and biophysical properties (such as structural, functional, and spatial information, amino acid conservation, physicochemical variation, residue mobility, and thermodynamic stability) performed at Invitae indicates that this missense variant is expected to disrupt CHAT protein function. This missense change has been observed in individual(s) with clinical features of congenital myasthenic syndrome (PMID: 21786365; Invitae). In at least one individual the data is consistent with being in trans (on the opposite chromosome) from a pathogenic variant. This variant is not present in population databases (gnomAD no frequency). This sequence change replaces tryptophan, which is neutral and slightly polar, with serine, which is neutral and polar, at codon 421 of the CHAT protein (p.Trp421Ser).

Literature cited by the submitters: PubMed 21786365.

NM_020549.5(CHAT):c.1262G>C (p.Trp421Ser)

Gene: CHAT (choline O-acetyltransferase; plus strand). Cytogenetic location: 10q11.23.
Variant type: single nucleotide variant.
Coding change: c.1262G>C on transcript NM_020549.5 (MANE Select); coding-DNA position 1262, G replaced by C.
Protein change: p.Trp421Ser; replaces tryptophan 421 with serine.
Molecular consequence: missense variant.
Genome position (GRCh38, 1-based): chr10:49,646,655, G>C. VCF-style: chr10-49646655-G-C. GRCh37 (hg19) VCF-style: chr10-50854701-G-C.
Other names: c.908G>C, p.Trp303Ser (NM_001142929.2, NM_001142934.2, NM_020984.4 and 2 more transcripts); c.1016G>C, p.Trp339Ser (NM_001142933.2); short protein forms W303S, W339S, W421S.
Identifiers: ClinVar variation 2136861 (VCV002136861.4), dbSNP rs2538855688, ClinGen allele CA376740792.
Genomic context (GRCh38, chr10:49,646,655, plus strand): 5'-CCCACAGGGCACTCCAGCTCCTTCACGGCGGAGGCTACAGCAAGAACGGGGCCAATCGCT[G>C]GTACGACAAGTCCCTGCAGGTAAGCCGTCCAGGTGGCCCTGCAAGAGCACAGCCATGCCC-3'
Protein context (NP_065574.4, residues 411-431): GGYSKNGANR[Trp421Ser]YDKSLQFVVG